The following is an entry in ClinVar:

NM_001276270.2(MBD4):c.427T>C (p.Phe143Leu)

Gene: MBD4 (methyl-CpG binding domain 4, DNA glycosylase; minus strand). Cytogenetic location: 3q21.3.
Variant type: single nucleotide variant.
Coding change: c.427T>C on transcript NM_001276270.2 (MANE Select); coding-DNA position 427, T replaced by C.
Protein change: p.Phe143Leu; replaces phenylalanine 143 with leucine.
Molecular consequence: missense variant. On other transcripts: intron variant (1).
Genome position (GRCh38, 1-based): chr3:129,437,217, A>G on the plus strand (T>C on the coding strand, the complement: MBD4 is on the minus strand). VCF-style: chr3-129437217-A-G. GRCh37 (hg19) VCF-style: chr3-129156060-A-G.
Other names: c.427T>C, p.Phe143Leu (NM_001276271.2, NM_001276272.2, NM_003925.3); c.247+591T>C (NM_001276273.2); short protein forms F143L.
Identifiers: ClinVar variation 3699101 (VCV003699101.3).

ClinVar aggregate classification (germline): Uncertain significance. Review status: criteria provided, multiple submitters, no conflicts (2 of 4 stars). 2 submissions from 2 submitters: Uncertain significance (2). Last evaluated 2025-11-11.

Conditions:
Inborn genetic diseases. Identifiers: MedGen C0950123, MeSH D030342.

Submissions (2):

Labcorp Genetics (formerly Invitae), Labcorp
Classification: Uncertain significance. Last evaluated: 2025-11-11. Review status: criteria provided, single submitter. Criteria: Invitae Variant Classification Sherloc (09022015). Collection method: clinical testing. Allele origin: germline.
Comment: This sequence change replaces phenylalanine, which is neutral and non-polar, with leucine, which is neutral and non-polar, at codon 143 of the MBD4 protein (p.Phe143Leu). This variant is not present in population databases (gnomAD no frequency). This variant has not been reported in the literature in individuals affected with MBD4-related conditions. ClinVar contains an entry for this variant (Variation ID: 3699101). An algorithm developed to predict the effect of missense changes on protein structure and function (PolyPhen-2) suggests that this variant is likely to be disruptive. In summary, the available evidence is currently insufficient to determine the role of this variant in disease. Therefore, it has been classified as a Variant of Uncertain Significance.

Ambry Genetics
Classification: Uncertain significance for Inborn genetic diseases. Last evaluated: 2025-06-07. Review status: criteria provided, single submitter. Criteria: Ambry Variant Classification Scheme 2023. Collection method: clinical testing. Allele origin: germline.
Comment: The p.F143L variant (also known as c.427T>C), located in coding exon 3 of the MBD4 gene, results from a T to C substitution at nucleotide position 427. The phenylalanine at codon 143 is replaced by leucine, an amino acid with highly similar properties. This amino acid position is conserved. In addition, this alteration is predicted to be deleterious by in silico analysis. Based on the available evidence, the clinical significance of this variant remains unclear.